The following is an entry in ClinVar:

NM_022367.4(SEMA4A):c.985C>G (p.Gln329Glu)

Gene: SEMA4A (semaphorin 4A; plus strand). Cytogenetic location: 1q22.
Variant type: single nucleotide variant.
Coding change: c.985C>G on transcript NM_022367.4 (MANE Select); coding-DNA position 985, C replaced by G.
Protein change: p.Gln329Glu; replaces glutamine 329 with glutamic acid.
Molecular consequence: missense variant.
Genome position (GRCh38, 1-based): chr1:156,162,945, C>G. VCF-style: chr1-156162945-C-G. GRCh37 (hg19) VCF-style: chr1-156132736-C-G.
Other names: c.985C>G, p.Gln329Glu (NM_001193300.2, NM_001193301.2, NM_001370567.1); c.589C>G, p.Gln197Glu (NM_001193302.2); c.688C>G, p.Gln230Glu (NM_001370568.1); c.478C>G, p.Gln160Glu (NM_001370569.1, NM_001370571.1); short protein forms Q160E, Q197E, Q230E, Q329E.
Identifiers: ClinVar variation 1063464 (VCV001063464.9), dbSNP rs1249149946, ClinGen allele CA342840271.

ClinVar aggregate classification (germline): Uncertain significance (1 of 4 stars; one submission).

Allele frequency attached by ClinVar (database versions not stated): gnomAD exomes below 0.00001.
gnomAD v4.1: 1 of 1,613,598 alleles (0.000062%); highest among the groups gnomAD compares: Admixed American, 0.0017%; no homozygotes.

Submission:

Labcorp Genetics (formerly Invitae), Labcorp
Classification: Uncertain significance. Last evaluated: 2022-06-20. Review status: criteria provided, single submitter. Criteria: Invitae Variant Classification Sherloc (09022015). Collection method: clinical testing. Allele origin: germline.
Comment: In summary, the available evidence is currently insufficient to determine the role of this variant in disease. Therefore, it has been classified as a Variant of Uncertain Significance. Algorithms developed to predict the effect of sequence changes on RNA splicing suggest that this variant may disrupt the consensus splice site. Algorithms developed to predict the effect of missense changes on protein structure and function (SIFT, PolyPhen-2, Align-GVGD) all suggest that this variant is likely to be tolerated. ClinVar contains an entry for this variant (Variation ID: 1063464). This variant has not been reported in the literature in individuals affected with SEMA4A-related conditions. This variant is present in population databases (no rsID available, gnomAD 0.003%). This sequence change replaces glutamine, which is neutral and polar, with glutamic acid, which is acidic and polar, at codon 329 of the SEMA4A protein (p.Gln329Glu).